The following is an entry in ClinVar:

ClinVar aggregate classification (germline): Pathogenic. Review status: criteria provided, single submitter (1 of 4 stars). 2 submissions from 2 submitters: Pathogenic (1). 1 of the submissions does not count toward it. Last evaluated 2023-08-02.

Conditions:
Familial thoracic aortic aneurysm and aortic dissection (TAAD). Also called: Thoracic aortic aneurysms and dissections. Identifiers: Orphanet 91387, MedGen C4707243, MONDO:0019625.
Marfan syndrome (MFS). Also called: Marfan syndrome type 1; Marfan syndrome, classic; Marfan's syndrome; FBN1-Related Marfan Syndrome; MARFAN SYNDROME, TYPE I. Identifiers: Orphanet 284963, Orphanet 558, MedGen C0024796, MONDO:0007947, OMIM 154700.

Submissions (2):

Labcorp Genetics (formerly Invitae), Labcorp
Classification: Pathogenic for Marfan syndrome; Familial thoracic aortic aneurysm and aortic dissection. Last evaluated: 2023-08-02. Review status: criteria provided, single submitter. Criteria: Invitae Variant Classification Sherloc (09022015). Collection method: clinical testing. Allele origin: germline.
Comment: This premature translational stop signal has been observed in individual(s) with clinical features of FBN1-related conditions (PMID: 27611364). ClinVar contains an entry for this variant (Variation ID: 549441). For these reasons, this variant has been classified as Pathogenic. This sequence change creates a premature translational stop signal (p.Gln2641*) in the FBN1 gene. It is expected to result in an absent or disrupted protein product. Loss-of-function variants in FBN1 are known to be pathogenic (PMID: 17657824, 19293843). This variant is not present in population databases (gnomAD no frequency).

Center for Medical Genetics Ghent, University of Ghent
Classification: Likely pathogenic for Marfan syndrome. Last evaluated: 2017-11-07. Review status: no assertion criteria provided. Collection method: clinical testing. Allele origin: germline. Affected: yes. Not counted in ClinVar's aggregate classification.

Literature cited by the submitters: PubMed 27611364 (cited by Labcorp Genetics (formerly Invitae), Labcorp); PubMed 17657824 (cited by Labcorp Genetics (formerly Invitae), Labcorp); PubMed 19293843 (cited by Labcorp Genetics (formerly Invitae), Labcorp).

NM_000138.5(FBN1):c.7921C>T (p.Gln2641Ter)

Gene: FBN1 (fibrillin 1; minus strand). Cytogenetic location: 15q21.1.
Variant type: single nucleotide variant.
Coding change: c.7921C>T on transcript NM_000138.5 (MANE Select); coding-DNA position 7921, C replaced by T.
Protein change: p.Gln2641Ter; replaces glutamine 2641 with a stop codon.
Molecular consequence: nonsense.
Genome position (GRCh38, 1-based): chr15:48,415,666, G>A on the plus strand (C>T on the coding strand, the complement: FBN1 is on the minus strand). VCF-style: chr15-48415666-G-A. GRCh37 (hg19) VCF-style: chr15-48707863-G-A.
Other names: short protein forms Q2641*.
Identifiers: ClinVar variation 549441 (VCV000549441.9), dbSNP rs1555393866, ClinGen allele CA392323101.